The following is an entry in ClinVar:

ClinVar aggregate classification (germline): Conflicting classifications of pathogenicity. Review status: criteria provided, conflicting classifications (1 of 4 stars). 2 submissions from 2 submitters: Uncertain significance (1); Likely benign (1). Last evaluated 2025-07-21.

Allele frequency attached by ClinVar (database versions not stated): gnomAD exomes 0.00001; ExAC 0.00002; gnomAD 0.00002; TOPMed 0.00004; ESP Exome Variant Server 0.00008.
gnomAD v4.1: 18 of 1,613,996 alleles (0.0011%); highest among the groups gnomAD compares: African/African-American, 0.004%; no homozygotes.

Submissions (2):

Labcorp Genetics (formerly Invitae), Labcorp
Classification: Uncertain significance. Last evaluated: 2025-07-21. Review status: criteria provided, single submitter. Criteria: Invitae Variant Classification Sherloc (09022015). Collection method: clinical testing. Allele origin: germline.
Comment: This sequence change replaces glycine, which is neutral and non-polar, with aspartic acid, which is acidic and polar, at codon 830 of the CEP97 protein (p.Gly830Asp). This variant is present in population databases (rs138953348, gnomAD 0.007%). This variant has not been reported in the literature in individuals affected with CEP97-related conditions. ClinVar contains an entry for this variant (Variation ID: 2060072). An algorithm developed to predict the effect of missense changes on protein structure and function outputs the following: PolyPhen-2: "Benign". The aspartic acid amino acid residue is found in multiple mammalian species, which suggests that this missense change does not adversely affect protein function. In summary, the available evidence is currently insufficient to determine the role of this variant in disease. Therefore, it has been classified as a Variant of Uncertain Significance.

Ambry Genetics
Classification: Likely benign. Last evaluated: 2023-10-27. Review status: criteria provided, single submitter. Criteria: Ambry Variant Classification Scheme 2023. Collection method: clinical testing. Allele origin: germline.

NM_024548.4(CEP97):c.2489G>A (p.Gly830Asp)

Gene: CEP97 (centrosomal protein 97; plus strand). Cytogenetic location: 3q12.3.
Variant type: single nucleotide variant.
Coding change: c.2489G>A on transcript NM_024548.4 (MANE Select); coding-DNA position 2489, G replaced by A.
Protein change: p.Gly830Asp; replaces glycine 830 with aspartic acid.
Molecular consequence: missense variant.
Genome position (GRCh38, 1-based): chr3:101,765,442, G>A. VCF-style: chr3-101765442-G-A. GRCh37 (hg19) VCF-style: chr3-101484286-G-A.
Other names: c.2489G>A (NM_024548.2); c.2312G>A, p.Gly771Asp (NM_001303401.2); c.2387G>A, p.Gly796Asp (NM_001410784.1); c.2210G>A, p.Gly737Asp (NM_001410785.1); short protein forms G737D, G796D, G830D, G771D.
Identifiers: ClinVar variation 2060072 (VCV002060072.5), dbSNP rs138953348, ClinGen allele CA2522335.